The following is an entry in ClinVar:

NM_012418.4(FSCN2):c.203A>G (p.Tyr68Cys)

Gene: FSCN2 (fascin actin-bundling protein 2, retinal; plus strand). Cytogenetic location: 17q25.3.
Variant type: single nucleotide variant.
Coding change: c.203A>G on transcript NM_012418.4 (MANE Select); coding-DNA position 203, A replaced by G.
Protein change: p.Tyr68Cys; replaces tyrosine 68 with cysteine.
Molecular consequence: missense variant.
Genome position (GRCh38, 1-based): chr17:81,528,734, A>G. VCF-style: chr17-81528734-A-G. GRCh37 (hg19) VCF-style: chr17-79495760-A-G.
Other names: c.203A>G, p.Tyr68Cys (NM_001077182.3); short protein forms Y68C.
Identifiers: ClinVar variation 3669392 (VCV003669392.2).

ClinVar aggregate classification (germline): Uncertain significance (1 of 4 stars; one submission).

gnomAD v4.1: 2 of 1,593,992 alleles (0.00013%); highest among the groups gnomAD compares: Non-Finnish European, 0.00017%; no homozygotes.

Submission:

Labcorp Genetics (formerly Invitae), Labcorp
Classification: Uncertain significance. Last evaluated: 2024-05-02. Review status: criteria provided, single submitter. Criteria: Invitae Variant Classification Sherloc (09022015). Collection method: clinical testing. Allele origin: germline.
Comment: This sequence change replaces tyrosine, which is neutral and polar, with cysteine, which is neutral and slightly polar, at codon 68 of the FSCN2 protein (p.Tyr68Cys). This variant is not present in population databases (gnomAD no frequency). This variant has not been reported in the literature in individuals affected with FSCN2-related conditions. An algorithm developed to predict the effect of missense changes on protein structure and function (PolyPhen-2) suggests that this variant is likely to be disruptive. In summary, the available evidence is currently insufficient to determine the role of this variant in disease. Therefore, it has been classified as a Variant of Uncertain Significance.